The following is an entry in ClinVar:

ClinVar aggregate classification (germline): Likely pathogenic (1 of 4 stars; one submission).

Conditions:
Familial dysautonomia. Also called: HSAN III; FD. Identifiers: Orphanet 1764, MedGen C0013364, MONDO:0009131, OMIM 223900. Disease mechanism: loss of function.

gnomAD v4.1: 4 of 1,521,576 alleles (0.00026%); highest among the groups gnomAD compares: Non-Finnish European, 0.00036%; no homozygotes.

Submission:

Natera, Inc.
Classification: Likely pathogenic for Familial dysautonomia. Last evaluated: 2025-09-22. Review status: criteria provided, single submitter. Criteria: Natera Variant Classification Schema (03/2026). Collection method: clinical testing. Allele origin: germline.
Comment: The c.3286-2A>G variant in ELP1 is a canonical splice acceptor site variant predicted to affect pre-mRNA splicing, which may result in an abnormal transcript and altered protein product. This variant is expected to result in nonsense mediated decay, truncation, or a dysfunctional protein product. This variant is rare in the general population with a frequency below the threshold expected for the associated phenotype(s). Given the available evidence, this variant is classified as Likely Pathogenic.

NM_003640.5(ELP1):c.3286-2A>G

Gene: ELP1 (elongator acetyltransferase complex subunit 1; minus strand). Cytogenetic location: 9q31.3.
Variant type: single nucleotide variant.
Coding change: c.3286-2A>G on transcript NM_003640.5 (MANE Select); the canonical splice acceptor site of the intron before coding-DNA position 3286, A replaced by G.
Molecular consequence: splice acceptor variant.
Genome position (GRCh38, 1-based): chr9:108,881,767, T>C on the plus strand (A>G on the coding strand, the complement: ELP1 is on the minus strand). VCF-style: chr9-108881767-T-C. GRCh37 (hg19) VCF-style: chr9-111644047-T-C.
Other names: c.2944-2A>G (NM_001318360.2); c.2239-2A>G (NM_001330749.2).
Identifiers: ClinVar variation 4815222 (VCV004815222.1).